The following is an entry in ClinVar:

ClinVar aggregate classification (germline): Likely benign (1 of 4 stars; one submission).

gnomAD v4.1: 157 of 1,614,004 alleles (0.0097%); highest among the groups gnomAD compares: Middle Eastern, 0.066%; no homozygotes.

Submission:

CeGaT Center for Human Genetics Tuebingen
Classification: Likely benign. Last evaluated: 2025-08-01. Review status: criteria provided, single submitter. Criteria: CeGaT Center For Human Genetics Tuebingen Variant Classification Criteria Version 2. Collection method: clinical testing. Allele origin: germline. Affected: yes. Observed: 1 variant allele.
Comment: AGO2: BP4, BP7

NM_012154.5(AGO2):c.102C>T (p.Ser34=)

Gene: AGO2 (argonaute RISC catalytic component 2; minus strand). Cytogenetic location: 8q24.3.
Variant type: single nucleotide variant.
Coding change: c.102C>T on transcript NM_012154.5 (MANE Select); coding-DNA position 102, C replaced by T.
Protein change: p.Ser34=; no amino-acid change (serine 34 retained).
Molecular consequence: synonymous variant.
Genome position (GRCh38, 1-based): chr8:140,585,232, G>A on the plus strand (C>T on the coding strand, the complement: AGO2 is on the minus strand). VCF-style: chr8-140585232-G-A. GRCh37 (hg19) VCF-style: chr8-141595331-G-A.
Other names: c.102C>T, p.Ser34= (NM_001164623.3).
Identifiers: ClinVar variation 4084037 (VCV004084037.8).